The following is an entry in ClinVar:

NM_000245.4(MET):c.1415C>T (p.Pro472Leu)

Gene: MET (MET proto-oncogene, receptor tyrosine kinase; plus strand). Cytogenetic location: 7q31.2.
Variant type: single nucleotide variant.
Coding change: c.1415C>T on transcript NM_000245.4 (MANE Select); coding-DNA position 1415, C replaced by T.
Protein change: p.Pro472Leu; replaces proline 472 with leucine.
Molecular consequence: missense variant.
Genome position (GRCh38, 1-based): chr7:116,739,972, C>T. VCF-style: chr7-116739972-C-T. GRCh37 (hg19) VCF-style: chr7-116380026-C-T.
Other names: c.1415C>T, p.Pro472Leu (NM_001127500.3, NM_001324401.3); c.125C>T, p.Pro42Leu (NM_001324402.2); short protein forms P42L, P472L.
Identifiers: ClinVar variation 838215 (VCV000838215.14), dbSNP rs1793379533, ClinGen allele CA368974045.

ClinVar aggregate classification (germline): Uncertain significance. Review status: criteria provided, multiple submitters, no conflicts (2 of 4 stars). 2 submissions from 2 submitters: Uncertain significance (2). Last evaluated 2025-08-27.

Conditions:
Renal cell carcinoma. Identifiers: Orphanet 217071, MedGen C0007134, MeSH D002292, MONDO:0005086, HP:0005584.
Hereditary cancer-predisposing syndrome. Also called: Neoplastic Syndromes, Hereditary; Tumor predisposition; Hereditary neoplastic syndrome; Hereditary Cancer Syndrome. Identifiers: Orphanet 140162, MedGen C0027672, MeSH D009386, MONDO:0015356.

Submissions (2):

Ambry Genetics
Classification: Uncertain significance for Hereditary cancer-predisposing syndrome. Last evaluated: 2025-08-27. Review status: criteria provided, single submitter. Criteria: Ambry Variant Classification Scheme 2023. Collection method: clinical testing. Allele origin: germline.

Labcorp Genetics (formerly Invitae), Labcorp
Classification: Uncertain significance for Renal cell carcinoma. Last evaluated: 2024-12-15. Review status: criteria provided, single submitter. Criteria: Invitae Variant Classification Sherloc (09022015). Collection method: clinical testing. Allele origin: germline.
Comment: This sequence change replaces proline, which is neutral and non-polar, with leucine, which is neutral and non-polar, at codon 472 of the MET protein (p.Pro472Leu). This variant is not present in population databases (gnomAD no frequency). This variant has not been reported in the literature in individuals affected with MET-related conditions. ClinVar contains an entry for this variant (Variation ID: 838215). An algorithm developed to predict the effect of missense changes on protein structure and function outputs the following: PolyPhen-2: "Benign". The leucine amino acid residue is found in multiple mammalian species, which suggests that this missense change does not adversely affect protein function. In summary, the available evidence is currently insufficient to determine the role of this variant in disease. Therefore, it has been classified as a Variant of Uncertain Significance.